The following is an entry in ClinVar:

NM_152564.5(VPS13B):c.3667-7C>T

Gene: VPS13B (vacuolar protein sorting 13 homolog B; plus strand). Cytogenetic location: 8q22.2.
Variant type: single nucleotide variant.
Coding change: c.3667-7C>T on transcript NM_152564.5 (MANE Select); 7 bases into the intron before coding-DNA position 3667, C replaced by T.
Molecular consequence: intron variant.
Genome position (GRCh38, 1-based): chr8:99,481,592, C>T. VCF-style: chr8-99481592-C-T. GRCh37 (hg19) VCF-style: chr8-100493820-C-T.
Other names: p.?; c.3667-7C>T (NM_017890.5).
Identifiers: ClinVar variation 95848 (VCV000095848.34), dbSNP rs35543295, ClinGen allele CA148944.

ClinVar aggregate classification (germline): Benign. Review status: criteria provided, multiple submitters, no conflicts (2 of 4 stars). 16 submissions from 16 submitters: Benign (13). 3 of the submissions do not count toward it. Last evaluated 2026-02-04.

Conditions:
Cohen syndrome (COH1). Also called: PEPPER SYNDROME; Cutis verticis gyrata, retinitis pigmentosa, and sensorineural deafness. Identifiers: Orphanet 193, MedGen C0265223, MONDO:0008999, OMIM 216550.

Allele frequency attached by ClinVar (database versions not stated): 1000 Genomes Project 0.02037; 1000 Genomes Project 30x 0.02061; gnomAD 0.03549 and 0.03607; TOPMed 0.03889; ESP Exome Variant Server 0.04075.
gnomAD v4.1: 76,889 of 1,612,754 alleles (4.8%); highest among the groups gnomAD compares: Middle Eastern, 11%; 2,228 homozygotes.

Submissions (16):

Labcorp Genetics (formerly Invitae), Labcorp
Classification: Benign for Cohen syndrome. Last evaluated: 2026-02-04. Review status: criteria provided, single submitter. Criteria: Invitae Variant Classification Sherloc (09022015). Collection method: clinical testing. Allele origin: germline.

Women's Health and Genetics/Laboratory Corporation of America, LabCorp
Classification: Benign. Last evaluated: 2026-01-21. Review status: criteria provided, single submitter. Criteria: LabCorp Variant Classification Summary - May 2015. Collection method: clinical testing. Allele origin: germline.

Blueprint Genetics
Classification: Benign. Last evaluated: 2024-11-27. Review status: criteria provided, single submitter. Criteria: ACMG Guidelines, 2015. Collection method: clinical testing. Allele origin: germline.

Genome-Nilou Lab
Classification: Benign for Cohen syndrome. Last evaluated: 2021-07-01. Review status: criteria provided, single submitter. Criteria: ACMG Guidelines, 2015. Collection method: clinical testing. Allele origin: germline. Affected: no.

Athena Diagnostics
Classification: Benign. Last evaluated: 2018-08-07. Review status: criteria provided, single submitter. Criteria: Athena Diagnostics Criteria. Collection method: clinical testing. Allele origin: germline.

Mayo Clinic Laboratories, Mayo Clinic
Classification: Benign. Last evaluated: 2018-04-03. Review status: criteria provided, single submitter. Criteria: ACMG Guidelines, 2015. Collection method: clinical testing. Allele origin: germline. Observed: 118 variant alleles.

Illumina Laboratory Services, Illumina
Classification: Benign for Cohen syndrome. Last evaluated: 2018-01-13. Review status: criteria provided, single submitter. Criteria: ICSL Variant Classification Criteria 13 December 2019. Collection method: clinical testing. Allele origin: germline.
Comment: This variant was observed in the ICSL laboratory as part of a predisposition screen in an ostensibly healthy population. It had not been previously curated by ICSL or reported in the Human Gene Mutation Database (HGMD: prior to June 1st, 2018), and was therefore a candidate for classification through an automated scoring system. Utilizing variant allele frequency, disease prevalence and penetrance estimates, and inheritance mode, an automated score was calculated to assess if this variant is too frequent to cause the disease. Based on the score and internal cut-off values, a variant classified as benign is not then subjected to further curation. The score for this variant resulted in a classification of benign for this disease.

Clinical Genetics DNA and cytogenetics Diagnostics Lab, Erasmus MC, Erasmus Medical Center
Classification: Benign for Cohen syndrome. Last evaluated: 2015-09-21. Review status: criteria provided, single submitter. Criteria: ACGS Guidelines, 2013. Collection method: clinical testing. Allele origin: germline. Affected: yes. Study: VKGL Data-share Consensus.

GeneDx
Classification: Benign. Last evaluated: 2015-03-03. Review status: criteria provided, single submitter. Criteria: GeneDx Variant Classification Process June 2021. Collection method: clinical testing. Allele origin: germline. Affected: yes.

Genome Diagnostics Laboratory, University Medical Center Utrecht
Classification: Benign for Cohen syndrome. Last evaluated: 2014-10-09. Review status: criteria provided, single submitter. Criteria: ACGS Guidelines, 2013. Collection method: clinical testing. Allele origin: germline. Affected: yes. Study: VKGL Data-share Consensus.

Eurofins Ntd Llc (ga)
Classification: Benign. Last evaluated: 2012-11-14. Review status: criteria provided, single submitter. Criteria: EGL Classification Definitions 2015. Collection method: clinical testing. Allele origin: germline. Observed: 2 variant alleles, 2 heterozygotes.

Breakthrough Genomics
Classification: Benign. Review status: criteria provided, single submitter. Criteria: ACMG Guidelines, 2015. Collection method: not provided. Allele origin: germline. Inheritance: Autosomal recessive inheritance. Affected: yes.

PreventionGenetics, part of Exact Sciences
Classification: Benign. Review status: criteria provided, single submitter. Criteria: ACMG Guidelines, 2015. Collection method: clinical testing. Allele origin: germline.

Natera, Inc.
Classification: Benign for Cohen syndrome. Last evaluated: 2020-09-16. Review status: no assertion criteria provided. Collection method: clinical testing. Allele origin: germline. Not counted in ClinVar's aggregate classification.

Diagnostic Laboratory, Department of Genetics, University Medical Center Groningen
Classification: Benign for Cohen syndrome. Review status: no assertion criteria provided. Collection method: clinical testing. Allele origin: germline. Affected: yes. Study: VKGL Data-share Consensus. Not counted in ClinVar's aggregate classification.

Genetic Services Laboratory, University of Chicago
Classification: Likely benign for AllHighlyPenetrant. Review status: no assertion criteria provided. Collection method: clinical testing. Allele origin: germline. Inheritance: Autosomal recessive inheritance. Not counted in ClinVar's aggregate classification.
Comment: Likely benign based on allele frequency in 1000 Genomes Project or ESP global frequency and its presence in a patient with a rare or unrelated disease phenotype. NOT Sanger confirmed.